The following is an entry in ClinVar:

ClinVar aggregate classification (germline): Conflicting classifications of pathogenicity. Review status: criteria provided, conflicting classifications (1 of 4 stars). 4 submissions from 4 submitters: Uncertain significance (3); Likely benign (1). Last evaluated 2025-10-28.

Conditions:
Retinoblastoma (RB1). Also called: RETINOBLASTOMA, SOMATIC. Identifiers: Orphanet 790, MedGen C0035335, MeSH D012175, MONDO:0008380, OMIM 180200, HP:0009919. Disease mechanism: loss of function. Inheritance: Both sporadic and heritable forms are tested..
Hereditary cancer-predisposing syndrome. Also called: Neoplastic Syndromes, Hereditary; Tumor predisposition; Hereditary neoplastic syndrome; Hereditary Cancer Syndrome. Identifiers: Orphanet 140162, MedGen C0027672, MeSH D009386, MONDO:0015356.

Allele frequency attached by ClinVar (database versions not stated): gnomAD exomes 0.00001; ExAC 0.00002; TOPMed 0.00002.
gnomAD v4.1: 3 of 1,613,798 alleles (0.00019%); highest among the groups gnomAD compares: Non-Finnish European, 0.00025%; no homozygotes.

Submissions (4):

Color Diagnostics, LLC DBA Color Health
Classification: Uncertain significance for Retinoblastoma. Last evaluated: 2025-10-28. Review status: criteria provided, single submitter. Criteria: ACMG Guidelines, 2015. Collection method: clinical testing. Allele origin: germline.
Comment: This missense variant replaces alanine with valine at codon 261 of the RB1 protein. Computational prediction suggests that this variant may not impact protein structure and function. To our knowledge, functional studies have not been reported for this variant. This variant has not been reported in individuals affected with RB1-related disorders in the literature. This variant has been identified in 3/1461590 chromosomes in the general population by the Genome Aggregation Database (gnomAD). The available evidence is insufficient to determine the role of this variant in disease conclusively. Therefore, this variant is classified as a Variant of Uncertain Significance.

Labcorp Genetics (formerly Invitae), Labcorp
Classification: Uncertain significance for Retinoblastoma. Last evaluated: 2025-05-19. Review status: criteria provided, single submitter. Criteria: Invitae Variant Classification Sherloc (09022015). Collection method: clinical testing. Allele origin: germline.
Comment: This sequence change replaces alanine, which is neutral and non-polar, with valine, which is neutral and non-polar, at codon 261 of the RB1 protein (p.Ala261Val). This variant is present in population databases (rs776307088, gnomAD 0.003%). This variant has not been reported in the literature in individuals affected with RB1-related conditions. ClinVar contains an entry for this variant (Variation ID: 580457). Invitae Evidence Modeling of protein sequence and biophysical properties (such as structural, functional, and spatial information, amino acid conservation, physicochemical variation, residue mobility, and thermodynamic stability) has been performed for this missense variant. However, the output from this modeling did not meet the statistical confidence thresholds required to predict the impact of this variant on RB1 protein function. In summary, the available evidence is currently insufficient to determine the role of this variant in disease. Therefore, it has been classified as a Variant of Uncertain Significance.

All of Us Research Program, National Institutes of Health
Classification: Uncertain significance for Retinoblastoma. Last evaluated: 2024-08-06. Review status: criteria provided, single submitter. Criteria: ACMG Guidelines, 2015. Collection method: clinical testing. Allele origin: germline. Inheritance: Autosomal dominant inheritance. Observed: 3 variant alleles, 3 heterozygotes.
Comment: This study involves interpretation of variants in research participants for the purpose of population health screening. Participant phenotype was not available at the time of variant classification. Additional details can be found in publication PMID: 35346344, PMCID: PMC8962531

Ambry Genetics
Classification: Likely benign for Hereditary cancer-predisposing syndrome. Last evaluated: 2023-08-03. Review status: criteria provided, single submitter. Criteria: Ambry Variant Classification Scheme 2023. Collection method: clinical testing. Allele origin: germline.

NM_000321.3(RB1):c.782C>T (p.Ala261Val)

Gene: RB1 (RB transcriptional corepressor 1; plus strand). Cytogenetic location: 13q14.2.
Variant type: single nucleotide variant.
Coding change: c.782C>T on transcript NM_000321.3 (MANE Select); coding-DNA position 782, C replaced by T.
Protein change: p.Ala261Val; replaces alanine 261 with valine.
Molecular consequence: missense variant.
Genome position (GRCh38, 1-based): chr13:48,362,878, C>T. VCF-style: chr13-48362878-C-T. GRCh37 (hg19) VCF-style: chr13-48937014-C-T.
Other names: short protein forms A261V.
Identifiers: ClinVar variation 580457 (VCV000580457.11), dbSNP rs776307088, ClinGen allele CA039490.
Genomic context (GRCh38, chr13:48,362,878, plus strand): 5'-CAGCTGTTATACCCATTAATGGTTCACCTCGAACACCCAGGCGAGGTCAGAACAGGAGTG[C>T]ACGGATAGCAAAACAACTAGAAAATGATACAAGAATTATTGAAGTTCTCTGTAAAGAACA-3'
Protein context (NP_000312.2, residues 251-271): RTPRRGQNRS[Ala261Val]RIAKQLENDT